The following is an entry in ClinVar:

ClinVar aggregate classification (germline): Benign (1 of 4 stars; one submission).

Allele frequency attached by ClinVar (database versions not stated): gnomAD 0.00010 and 0.00015; TOPMed 0.00010; 1000 Genomes Project 0.00040; 1000 Genomes Project 30x 0.00047.
gnomAD v4.1: 23 of 152,048 alleles (0.015%); highest among the groups gnomAD compares: South Asian, 0.12%; 1 homozygote.

Submission:

CeGaT Center for Human Genetics Tuebingen
Classification: Benign. Last evaluated: 2022-11-01. Review status: criteria provided, single submitter. Criteria: CeGaT Center For Human Genetics Tuebingen Variant Classification Criteria Version 2. Collection method: clinical testing. Allele origin: germline. Affected: yes. Observed: 2 variant alleles.
Comment: BRD4: BS1, BS2

NM_001379291.1(BRD4):c.2158+2908A>T

Gene: BRD4 (bromodomain containing 4; minus strand). Cytogenetic location: 19p13.12.
Variant type: single nucleotide variant.
Coding change: c.2158+2908A>T on transcript NM_001379291.1 (MANE Select); 2908 bases into the intron after coding-DNA position 2158, A replaced by T.
Molecular consequence: intron variant.
Genome position (GRCh38, 1-based): chr19:15,251,244, T>A on the plus strand (A>T on the coding strand, the complement: BRD4 is on the minus strand). VCF-style: chr19-15251244-T-A. GRCh37 (hg19) VCF-style: chr19-15362055-T-A.
Other names: c.2158+2908A>T (NM_058243.3); c.2159-1954A>T (NM_001379292.1, NM_014299.3).
Identifiers: ClinVar variation 1694905 (VCV001694905.31), dbSNP rs557969408, ClinGen allele CA305797311.